The following is an entry in ClinVar:

ClinVar aggregate classification (germline): Uncertain significance (1 of 4 stars; one submission).

gnomAD v4.1: 21 of 1,613,866 alleles (0.0013%); highest among the groups gnomAD compares: Non-Finnish European, 0.0015%; no homozygotes.

Submission:

Labcorp Genetics (formerly Invitae), Labcorp
Classification: Uncertain significance. Last evaluated: 2025-07-09. Review status: criteria provided, single submitter. Criteria: Invitae Variant Classification Sherloc (09022015). Collection method: clinical testing. Allele origin: germline.
Comment: This sequence change replaces leucine, which is neutral and non-polar, with valine, which is neutral and non-polar, at codon 108 of the WDR4 protein (p.Leu108Val). This variant is present in population databases (rs778623204, gnomAD 0.002%). This variant has not been reported in the literature in individuals affected with WDR4-related conditions. Invitae Evidence Modeling of protein sequence and biophysical properties (such as structural, functional, and spatial information, amino acid conservation, physicochemical variation, residue mobility, and thermodynamic stability) indicates that this missense variant is not expected to disrupt WDR4 protein function with a negative predictive value of 80%. In summary, the available evidence is currently insufficient to determine the role of this variant in disease. Therefore, it has been classified as a Variant of Uncertain Significance.

NM_018669.6(WDR4):c.322C>G (p.Leu108Val)

Gene: WDR4 (WDR4 tRNA N7-guanosine methyltransferase non-catalytic subunit; minus strand). Cytogenetic location: 21q22.3.
Variant type: single nucleotide variant.
Coding change: c.322C>G on transcript NM_018669.6 (MANE Select); coding-DNA position 322, C replaced by G.
Protein change: p.Leu108Val; replaces leucine 108 with valine.
Molecular consequence: missense variant. On other transcripts: 5 prime UTR variant (3), non-coding transcript variant (1).
Genome position (GRCh38, 1-based): chr21:42,863,571, G>C on the plus strand (C>G on the coding strand, the complement: WDR4 is on the minus strand). VCF-style: chr21-42863571-G-C. GRCh37 (hg19) VCF-style: chr21-44283681-G-C.
Other names: c.322C>G, p.Leu108Val (NM_001260474.2, NM_033661.5); c.-117C>G (NM_001260475.2, NM_001260476.2, NM_001260477.2); short protein forms L108V.
Identifiers: ClinVar variation 4779553 (VCV004779553.1).